The following is an entry in ClinVar:

NM_033118.4(MYLK2):c.1513A>T (p.Thr505Ser)

Gene: MYLK2 (myosin light chain kinase 2; plus strand). Cytogenetic location: 20q11.21.
Variant type: single nucleotide variant.
Coding change: c.1513A>T on transcript NM_033118.4 (MANE Select); coding-DNA position 1513, A replaced by T.
Protein change: p.Thr505Ser; replaces threonine 505 with serine.
Molecular consequence: missense variant.
Genome position (GRCh38, 1-based): chr20:31,831,791, A>T. VCF-style: chr20-31831791-A-T. GRCh37 (hg19) VCF-style: chr20-30419594-A-T.
Other names: short protein forms T505S.
Identifiers: ClinVar variation 1774261 (VCV001774261.2), dbSNP rs2062307733, ClinGen allele CA408528065.
Genomic context (GRCh38, chr20:31,831,791, plus strand): 5'-GATGATGACACAGAGACCCTAAACAACGTTCTATCTGGCAACTGGTACTTTGATGAAGAG[A>T]CCTTTGAGGCCGTATCAGACGAGGCCAAAGACTTTGTCTCCAACCTCATCGTCAAGGACC-3'
Protein context (NP_149109.1, residues 495-515): LSGNWYFDEE[Thr505Ser]FEAVSDEAKD

ClinVar aggregate classification (germline): Uncertain significance (1 of 4 stars; one submission).

Allele frequency attached by ClinVar (database versions not stated): gnomAD 0.00001.

Submission:

Ambry Genetics
Classification: Uncertain significance. Last evaluated: 2022-08-30. Review status: criteria provided, single submitter. Criteria: Ambry Variant Classification Scheme 2023. Collection method: clinical testing. Allele origin: germline.
Comment: The p.T505S variant (also known as c.1513A>T), located in coding exon 10 of the MYLK2 gene, results from an A to T substitution at nucleotide position 1513. The threonine at codon 505 is replaced by serine, an amino acid with similar properties. This amino acid position is conserved. In addition, this alteration is predicted to be tolerated by in silico analysis. Since supporting evidence is limited at this time, the clinical significance of this alteration remains unclear.